The following is an entry in ClinVar:

ClinVar aggregate classification (germline): Uncertain significance (1 of 4 stars; one submission).

Conditions:
Gorlin syndrome. Also called: Nevoid Basal Cell Carcinoma Syndrome; Basal cell nevus syndrome. Identifiers: Orphanet 377, MedGen C0004779, MONDO:0007187.

Submission:

Labcorp Genetics (formerly Invitae), Labcorp
Classification: Uncertain significance for Gorlin syndrome. Last evaluated: 2023-11-15. Review status: criteria provided, single submitter. Criteria: Invitae Variant Classification Sherloc (09022015). Collection method: clinical testing. Allele origin: germline.
Comment: This sequence change replaces tryptophan, which is neutral and slightly polar, with arginine, which is basic and polar, at codon 948 of the PTCH1 protein (p.Trp948Arg). This variant is not present in population databases (gnomAD no frequency). This variant has not been reported in the literature in individuals affected with PTCH1-related conditions. Advanced modeling of protein sequence and biophysical properties (such as structural, functional, and spatial information, amino acid conservation, physicochemical variation, residue mobility, and thermodynamic stability) has been performed at Invitae for this missense variant, however the output from this modeling did not meet the statistical confidence thresholds required to predict the impact of this variant on PTCH1 protein function. In summary, the available evidence is currently insufficient to determine the role of this variant in disease. Therefore, it has been classified as a Variant of Uncertain Significance.

NM_000264.5(PTCH1):c.2842T>C (p.Trp948Arg)

Gene: PTCH1 (patched 1; minus strand). Cytogenetic location: 9q22.32.
Variant type: single nucleotide variant.
Coding change: c.2842T>C on transcript NM_000264.5 (MANE Select); coding-DNA position 2842, T replaced by C.
Protein change: p.Trp948Arg; replaces tryptophan 948 with arginine.
Molecular consequence: missense variant. On other transcripts: non-coding transcript variant (1).
Genome position (GRCh38, 1-based): chr9:95,459,645, A>G on the plus strand (T>C on the coding strand, the complement: PTCH1 is on the minus strand). VCF-style: chr9-95459645-A-G. GRCh37 (hg19) VCF-style: chr9-98221927-A-G.
Other names: c.2644T>C, p.Trp882Arg (NM_001083602.3); c.2839T>C, p.Trp947Arg (NM_001083603.3); c.2389T>C, p.Trp797Arg (NM_001083604.3, NM_001083605.3, NM_001083606.3 and 1 more transcripts); c.2686T>C, p.Trp896Arg (NM_001354918.2); short protein forms W882R, W947R, W948R, W797R, W896R.
Identifiers: ClinVar variation 2696097 (VCV002696097.3), dbSNP rs2136670647, ClinGen allele CA374112968.